The following is an entry in ClinVar:

NM_004304.5(ALK):c.4354G>A (p.Ala1452Thr)

Gene: ALK (ALK receptor tyrosine kinase; minus strand). Cytogenetic location: 2p23.2.
Variant type: single nucleotide variant.
Coding change: c.4354G>A on transcript NM_004304.5 (MANE Select); coding-DNA position 4354, G replaced by A.
Protein change: p.Ala1452Thr; replaces alanine 1452 with threonine.
Molecular consequence: missense variant.
Genome position (GRCh38, 1-based): chr2:29,193,733, C>T on the plus strand (G>A on the coding strand, the complement: ALK is on the minus strand). VCF-style: chr2-29193733-C-T. GRCh37 (hg19) VCF-style: chr2-29416599-C-T.
Other names: c.1150G>A, p.Ala384Thr (NM_001353765.2); short protein forms A1452T, A384T.
Identifiers: ClinVar variation 2844414 (VCV002844414.3), dbSNP rs2148138609, ClinGen allele CA346462464.

ClinVar aggregate classification (germline): Uncertain significance (1 of 4 stars; one submission).

Conditions:
Neuroblastoma, susceptibility to, 3. Also called: ALK-Related Neuroblastic Tumor Susceptibility. Identifiers: Orphanet 635, MedGen C2751681, MONDO:0013083, OMIM 613014.

Submission:

Labcorp Genetics (formerly Invitae), Labcorp
Classification: Uncertain significance for Neuroblastoma, susceptibility to, 3. Last evaluated: 2025-06-10. Review status: criteria provided, single submitter. Criteria: Invitae Variant Classification Sherloc (09022015). Collection method: clinical testing. Allele origin: germline.
Comment: This sequence change replaces alanine, which is neutral and non-polar, with threonine, which is neutral and polar, at codon 1452 of the ALK protein (p.Ala1452Thr). This variant is not present in population databases (gnomAD no frequency). This variant has not been reported in the literature in individuals affected with ALK-related conditions. ClinVar contains an entry for this variant (Variation ID: 2844414). An algorithm developed to predict the effect of missense changes on protein structure and function (PolyPhen-2) suggests that this variant is likely to be tolerated. In summary, the available evidence is currently insufficient to determine the role of this variant in disease. Therefore, it has been classified as a Variant of Uncertain Significance.